The following is an entry in ClinVar:

ClinVar aggregate classification (germline): Likely benign (1 of 4 stars; one submission).

Allele frequency attached by ClinVar (database versions not stated): gnomAD 0.00002.

Submission:

CeGaT Center for Human Genetics Tuebingen
Classification: Likely benign. Last evaluated: 2023-02-01. Review status: criteria provided, single submitter. Criteria: CeGaT Center For Human Genetics Tuebingen Variant Classification Criteria Version 2. Collection method: clinical testing. Allele origin: germline. Affected: yes. Observed: 1 variant allele.
Comment: FOXD4L1: BP4, BP7

NM_012184.5(FOXD4L1):c.861G>A (p.Ala287=)

Gene: FOXD4L1 (forkhead box D4 like 1; plus strand). Cytogenetic location: 2q14.1.
Variant type: single nucleotide variant.
Coding change: c.861G>A on transcript NM_012184.5 (MANE Select); coding-DNA position 861, G replaced by A.
Protein change: p.Ala287=; no amino-acid change (alanine 287 retained).
Molecular consequence: synonymous variant.
Genome position (GRCh38, 1-based): chr2:113,500,117, G>A. VCF-style: chr2-113500117-G-A. GRCh37 (hg19) VCF-style: chr2-114257694-G-A.
Identifiers: ClinVar variation 2651290 (VCV002651290.24), dbSNP rs763001260, ClinGen allele CA1841091.